The following is an entry in ClinVar:

NM_003906.5(MCM3AP):c.1570G>A (p.Gly524Ser)

Gene: MCM3AP (minichromosome maintenance complex component 3 associated protein; minus strand). Cytogenetic location: 21q22.3.
Variant type: single nucleotide variant.
Coding change: c.1570G>A on transcript NM_003906.5 (MANE Select); coding-DNA position 1570, G replaced by A.
Protein change: p.Gly524Ser; replaces glycine 524 with serine.
Molecular consequence: missense variant.
Genome position (GRCh38, 1-based): chr21:46,280,090, C>T on the plus strand (G>A on the coding strand, the complement: MCM3AP is on the minus strand). VCF-style: chr21-46280090-C-T. GRCh37 (hg19) VCF-style: chr21-47700004-C-T.
Other names: c.1570G>A (NM_003906.3); short protein forms G524S.
Identifiers: ClinVar variation 1961409 (VCV001961409.3), dbSNP rs779924955, ClinGen allele CA10077046.
Genomic context (GRCh38, chr21:46,280,090, plus strand): 5'-CGGCCTTGCCAAGAGGAGAGTGCTGAAAGGGTGCATCCTCTGTGCTCGGGCTGACTTCAC[C>T]GTCACCTGGTTTCTTCTCCTTCAGGGAAAAGGGTTTCTTATTGGGGCCTGTGGACATAGG-3'
Protein context (NP_003897.2, residues 514-534): FSLKEKKPGD[Gly524Ser]EVSPSTEDAP

ClinVar aggregate classification (germline): Uncertain significance. Review status: criteria provided, multiple submitters, no conflicts (2 of 4 stars). 2 submissions from 2 submitters: Uncertain significance (2). Last evaluated 2025-12-16.

Conditions:
Inborn genetic diseases. Identifiers: MedGen C0950123, MeSH D030342.

Allele frequency attached by ClinVar (database versions not stated): ExAC 0.00001; gnomAD 0.00001; gnomAD exomes 0.00001; TOPMed 0.00001.
gnomAD v4.1: 17 of 1,614,046 alleles (0.0011%); highest among the groups gnomAD compares: African/African-American, 0.0027%; no homozygotes.

Submissions (2):

Ambry Genetics
Classification: Uncertain significance for Inborn genetic diseases. Last evaluated: 2025-12-16. Review status: criteria provided, single submitter. Criteria: Ambry Variant Classification Scheme 2023. Collection method: clinical testing. Allele origin: germline.

Labcorp Genetics (formerly Invitae), Labcorp
Classification: Uncertain significance. Last evaluated: 2022-05-25. Review status: criteria provided, single submitter. Criteria: Invitae Variant Classification Sherloc (09022015). Collection method: clinical testing. Allele origin: germline.
Comment: This sequence change replaces glycine, which is neutral and non-polar, with serine, which is neutral and polar, at codon 524 of the MCM3AP protein (p.Gly524Ser). This variant is present in population databases (rs779924955, gnomAD 0.0009%). This variant has not been reported in the literature in individuals affected with MCM3AP-related conditions. Algorithms developed to predict the effect of missense changes on protein structure and function output the following: SIFT: "Tolerated"; PolyPhen-2: "Benign"; Align-GVGD: "Class C0". The serine amino acid residue is found in multiple mammalian species, which suggests that this missense change does not adversely affect protein function. In summary, the available evidence is currently insufficient to determine the role of this variant in disease. Therefore, it has been classified as a Variant of Uncertain Significance.